The following is an entry in ClinVar:

NM_002471.4(MYH6):c.3926C>G (p.Ser1309Cys)

Gene: MYH6 (myosin heavy chain 6; minus strand). Cytogenetic location: 14q11.2.
Variant type: single nucleotide variant.
Coding change: c.3926C>G on transcript NM_002471.4 (MANE Select); coding-DNA position 3926, C replaced by G.
Protein change: p.Ser1309Cys; replaces serine 1309 with cysteine.
Molecular consequence: missense variant.
Genome position (GRCh38, 1-based): chr14:23,389,445, G>C on the plus strand (C>G on the coding strand, the complement: MYH6 is on the minus strand). VCF-style: chr14-23389445-G-C. GRCh37 (hg19) VCF-style: chr14-23858654-G-C.
Other names: short protein forms S1309C.
Identifiers: ClinVar variation 3400840 (VCV003400840.1).

ClinVar aggregate classification (germline): Uncertain significance (1 of 4 stars; one submission).

Conditions:
Cardiovascular phenotype. Identifiers: MedGen CN230736.

Submission:

Ambry Genetics
Classification: Uncertain significance for Cardiovascular phenotype. Last evaluated: 2024-07-24. Review status: criteria provided, single submitter. Criteria: Ambry Variant Classification Scheme 2023. Collection method: clinical testing. Allele origin: germline.
Comment: The p.S1309C variant (also known as c.3926C>G), located in coding exon 26 of the MYH6 gene, results from a C to G substitution at nucleotide position 3926. The serine at codon 1309 is replaced by cysteine, an amino acid with dissimilar properties. This amino acid position is conserved. In addition, the in silico prediction for this alteration is inconclusive. Based on the available evidence, the clinical significance of this variant remains unclear.